The following is an entry in ClinVar:

ClinVar aggregate classification (germline): Uncertain significance (1 of 4 stars; one submission).

Submission:

Labcorp Genetics (formerly Invitae), Labcorp
Classification: Uncertain significance. Last evaluated: 2022-05-17. Review status: criteria provided, single submitter. Criteria: Invitae Variant Classification Sherloc (09022015). Collection method: clinical testing. Allele origin: germline.
Comment: Algorithms developed to predict the effect of sequence changes on RNA splicing suggest that this variant may create or strengthen a splice site. In summary, the available evidence is currently insufficient to determine the role of this variant in disease. Therefore, it has been classified as a Variant of Uncertain Significance. Algorithms developed to predict the effect of missense changes on protein structure and function (SIFT, PolyPhen-2, Align-GVGD) all suggest that this variant is likely to be tolerated. This variant has not been reported in the literature in individuals affected with CLUAP1-related conditions. This variant is not present in population databases (gnomAD no frequency). This sequence change replaces glutamine, which is neutral and polar, with histidine, which is basic and polar, at codon 345 of the CLUAP1 protein (p.Gln345His).

NM_015041.3(CLUAP1):c.1035A>T (p.Gln345His)

Gene: CLUAP1 (clusterin associated protein 1; plus strand). Cytogenetic location: 16p13.3.
Variant type: single nucleotide variant.
Coding change: c.1035A>T on transcript NM_015041.3 (MANE Select); coding-DNA position 1035, A replaced by T.
Protein change: p.Gln345His; replaces glutamine 345 with histidine.
Molecular consequence: missense variant.
Genome position (GRCh38, 1-based): chr16:3,530,674, A>T. VCF-style: chr16-3530674-A-T. GRCh37 (hg19) VCF-style: chr16-3580674-A-T.
Other names: c.1035A>T, p.Gln345His (NM_001330454.2); c.537A>T, p.Gln179His (NM_024793.3); short protein forms Q345H, Q179H.
Identifiers: ClinVar variation 1995579 (VCV001995579.4), dbSNP rs747732896, ClinGen allele CA394515735.